The following is an entry in ClinVar:

NM_001127392.3(MYRF):c.1542C>G (p.Asn514Lys)

Gene: MYRF (myelin regulatory factor; plus strand). Cytogenetic location: 11q12.2.
Variant type: single nucleotide variant.
Coding change: c.1542C>G on transcript NM_001127392.3 (MANE Select); coding-DNA position 1542, C replaced by G.
Protein change: p.Asn514Lys; replaces asparagine 514 with lysine.
Molecular consequence: missense variant.
Genome position (GRCh38, 1-based): chr11:61,776,829, C>G. VCF-style: chr11-61776829-C-G. GRCh37 (hg19) VCF-style: chr11-61544301-C-G.
Other names: c.1515C>G, p.Asn505Lys (NM_013279.4); short protein forms N505K, N514K.
Identifiers: ClinVar variation 2380197 (VCV002380197.2), dbSNP rs1445782706, ClinGen allele CA380855316.

ClinVar aggregate classification (germline): Uncertain significance (1 of 4 stars; one submission).

Conditions:
Inborn genetic diseases. Identifiers: MedGen C0950123, MeSH D030342.

Allele frequency attached by ClinVar (database versions not stated): gnomAD 0.00001; gnomAD exomes 0.00001; TOPMed 0.00001.
gnomAD v4.1: 9 of 1,608,824 alleles (0.00056%); highest among the groups gnomAD compares: Non-Finnish European, 0.00068%; no homozygotes.

Submission:

Ambry Genetics
Classification: Uncertain significance for Inborn genetic diseases. Last evaluated: 2022-05-26. Review status: criteria provided, single submitter. Criteria: Ambry Variant Classification Scheme 2023. Collection method: clinical testing. Allele origin: germline.
Comment: The c.1542C>G (p.N514K) alteration is located in exon 11 (coding exon 11) of the MYRF gene. This alteration results from a C to G substitution at nucleotide position 1542, causing the asparagine (N) at amino acid position 514 to be replaced by a lysine (K). Based on data from gnomAD, the G allele has an overall frequency of 0.001% (2/271546) total alleles studied. The highest observed frequency was 0.002% (2/123966) of European (non-Finnish) alleles. This amino acid position is not well conserved in available vertebrate species. This missense alteration is located in a region that has a low rate of benign missense variation (Lek, 2016; Firth, 2009). This alteration is predicted to be tolerated by in silico analysis. Based on insufficient or conflicting evidence, the clinical significance of this alteration remains unclear.